The following is an entry in ClinVar:

ClinVar aggregate classification (germline): Likely benign (1 of 4 stars; one submission).

Allele frequency attached by ClinVar (database versions not stated): 1000 Genomes Project 30x 0.00047; ExAC 0.00050; 1000 Genomes Project 0.00060; gnomAD 0.00072; TOPMed 0.00077; gnomAD exomes 0.00089.
gnomAD v4.1: 1,325 of 1,525,342 alleles (0.087%); highest among the groups gnomAD compares: Middle Eastern, 0.37%; 2 homozygotes.

Submission:

CeGaT Center for Human Genetics Tuebingen
Classification: Likely benign. Last evaluated: 2022-07-01. Review status: criteria provided, single submitter. Criteria: CeGaT Center For Human Genetics Tuebingen Variant Classification Criteria Version 2. Collection method: clinical testing. Allele origin: germline. Affected: yes. Observed: 1 variant allele.
Comment: BEND5: BP4, BP7

NM_024603.4(BEND5):c.48G>A (p.Leu16=)

Genes: AGBL4 (AGBL carboxypeptidase 4; minus strand), BEND5 (BEN domain containing 5; minus strand). Cytogenetic location: 1p33.
Variant type: single nucleotide variant.
Coding change: c.48G>A on transcript NM_024603.4 (MANE Select); coding-DNA position 48, G replaced by A.
Protein change: p.Leu16=; no amino-acid change (leucine 16 retained).
Molecular consequence: synonymous variant. On other transcripts: 5 prime UTR variant (4), non-coding transcript variant (1), intron variant (4).
Genome position (GRCh38, 1-based): chr1:48,776,784, C>T on the plus strand (G>A on the coding strand, the complement: BEND5 is on the minus strand). VCF-style: chr1-48776784-C-T. GRCh37 (hg19) VCF-style: chr1-49242456-C-T.
Other names: c.-542G>A (NM_001302082.2); c.-326G>A (NM_001349793.2); c.-739G>A (NM_001349794.2); c.-482G>A (NM_001349795.2); c.634+90407G>A (NM_001323575.2, NM_032785.4); c.670+90407G>A (NM_001323573.2, NM_001323574.2).
Identifiers: ClinVar variation 2638811 (VCV002638811.24), dbSNP rs548809089, ClinGen allele CA845104.